The following is an entry in ClinVar:

NM_006383.4(CIB2):c.167T>C (p.Met56Thr)

Gene: CIB2 (calcium and integrin binding family member 2; minus strand). Cytogenetic location: 15q25.1.
Variant type: single nucleotide variant.
Coding change: c.167T>C on transcript NM_006383.4 (MANE Select); coding-DNA position 167, T replaced by C.
Protein change: p.Met56Thr; replaces methionine 56 with threonine.
Molecular consequence: missense variant. On other transcripts: intron variant (2).
Genome position (GRCh38, 1-based): chr15:78,111,196, A>G on the plus strand (T>C on the coding strand, the complement: CIB2 is on the minus strand). VCF-style: chr15-78111196-A-G. GRCh37 (hg19) VCF-style: chr15-78403538-A-G.
Other names: c.38T>C, p.Met13Thr (NM_001271888.2); c.52-1814T>C (NM_001271889.2); c.87-1687T>C (NM_001301224.2); short protein forms M13T, M56T.
Identifiers: ClinVar variation 1465128 (VCV001465128.6), dbSNP rs1296784595, ClinGen allele CA393547708.

ClinVar aggregate classification (germline): Uncertain significance (1 of 4 stars; one submission).

Allele frequency attached by ClinVar (database versions not stated): gnomAD exomes 0.00001; TOPMed 0.00001; gnomAD 0.00003.
gnomAD v4.1: 18 of 1,613,922 alleles (0.0011%); highest among the groups gnomAD compares: Admixed American, 0.0033%; no homozygotes.

Submission:

Labcorp Genetics (formerly Invitae), Labcorp
Classification: Uncertain significance. Last evaluated: 2024-05-20. Review status: criteria provided, single submitter. Criteria: Invitae Variant Classification Sherloc (09022015). Collection method: clinical testing. Allele origin: germline.
Comment: This sequence change replaces methionine, which is neutral and non-polar, with threonine, which is neutral and polar, at codon 56 of the CIB2 protein (p.Met56Thr). This variant is present in population databases (no rsID available, gnomAD 0.003%). This variant has not been reported in the literature in individuals affected with CIB2-related conditions. ClinVar contains an entry for this variant (Variation ID: 1465128). An algorithm developed to predict the effect of missense changes on protein structure and function (PolyPhen-2) suggests that this variant is likely to be tolerated. In summary, the available evidence is currently insufficient to determine the role of this variant in disease. Therefore, it has been classified as a Variant of Uncertain Significance.